The following is an entry in ClinVar:

NM_000260.4(MYO7A):c.2386C>T (p.Arg796Trp)

Gene: MYO7A (myosin VIIA; plus strand). Cytogenetic location: 11q13.5.
Variant type: single nucleotide variant.
Coding change: c.2386C>T on transcript NM_000260.4 (MANE Select); coding-DNA position 2386, C replaced by T.
Protein change: p.Arg796Trp; replaces arginine 796 with tryptophan.
Molecular consequence: missense variant.
Genome position (GRCh38, 1-based): chr11:77,179,753, C>T. VCF-style: chr11-77179753-C-T. GRCh37 (hg19) VCF-style: chr11-76890799-C-T.
Other names: c.2386C>T, p.Arg796Trp (NM_001127180.2); c.2353C>T, p.Arg785Trp (NM_001369365.1); short protein forms R796W, R785W.
Identifiers: ClinVar variation 546684 (VCV000546684.49), dbSNP rs111033339, ClinGen allele CA381941456.

ClinVar aggregate classification (germline): Uncertain significance. Review status: criteria provided, multiple submitters, no conflicts (2 of 4 stars). 4 submissions from 4 submitters: Uncertain significance (4). Last evaluated 2024-09-19.

Conditions:
Hearing impairment. Also called: Impaired Hearing. Identifiers: MedGen C1384666, MONDO:0005365, HP:0000365.

Allele frequency attached by ClinVar (database versions not stated): TOPMed 0.00001.
gnomAD v4.1: 9 of 1,543,720 alleles (0.00058%); highest among the groups gnomAD compares: Admixed American, 0.0019%; no homozygotes.

Submissions (4):

Blueprint Genetics
Classification: Uncertain significance. Last evaluated: 2024-09-19. Review status: criteria provided, single submitter. Criteria: ACMG Guidelines, 2015. Collection method: clinical testing. Allele origin: germline.

Labcorp Genetics (formerly Invitae), Labcorp
Classification: Uncertain significance. Last evaluated: 2024-08-22. Review status: criteria provided, single submitter. Criteria: Invitae Variant Classification Sherloc (09022015). Collection method: clinical testing. Allele origin: germline.
Comment: This sequence change replaces arginine, which is basic and polar, with tryptophan, which is neutral and slightly polar, at codon 796 of the MYO7A protein (p.Arg796Trp). The frequency data for this variant in the population databases is considered unreliable, as metrics indicate poor data quality at this position in the gnomAD database. This variant has not been reported in the literature in individuals affected with MYO7A-related conditions. ClinVar contains an entry for this variant (Variation ID: 546684). Invitae Evidence Modeling of protein sequence and biophysical properties (such as structural, functional, and spatial information, amino acid conservation, physicochemical variation, residue mobility, and thermodynamic stability) indicates that this missense variant is expected to disrupt MYO7A protein function with a positive predictive value of 95%. In summary, the available evidence is currently insufficient to determine the role of this variant in disease. Therefore, it has been classified as a Variant of Uncertain Significance.

Department of Otolaryngology – Head & Neck Surgery, Cochlear Implant Center
Classification: Uncertain significance for Hearing impairment. Last evaluated: 2021-04-12. Review status: criteria provided, single submitter. Criteria: ClinGen HL ACMG Specifications v1. Collection method: clinical testing. Allele origin: germline. Affected: yes.
Comment: PM2_Moderate, PP3_Supporting

CeGaT Center for Human Genetics Tuebingen
Classification: Uncertain significance. Last evaluated: 2018-05-01. Review status: criteria provided, single submitter. Criteria: CeGaT Center For Human Genetics Tuebingen Variant Classification Criteria Version 2. Collection method: clinical testing. Allele origin: germline. Affected: yes. Observed: 3 variant alleles.